The following is an entry in ClinVar:

NM_019109.5(ALG1):c.981G>A (p.Glu327=)

Gene: ALG1 (ALG1 chitobiosyldiphosphodolichol beta-mannosyltransferase; plus strand). Cytogenetic location: 16p13.3.
Variant type: single nucleotide variant.
Coding change: c.981G>A on transcript NM_019109.5 (MANE Select); coding-DNA position 981, G replaced by A.
Protein change: p.Glu327=; no amino-acid change (glutamic acid 327 retained).
Molecular consequence: synonymous variant.
Genome position (GRCh38, 1-based): chr16:5,080,965, G>A. VCF-style: chr16-5080965-G-A. GRCh37 (hg19) VCF-style: chr16-5130966-G-A.
Other names: c.648G>A, p.Glu216= (NM_001330504.2); c.981G>A (NM_019109.4).
Identifiers: ClinVar variation 2166299 (VCV002166299.6), dbSNP rs772437767, ClinGen allele CA7890157.

ClinVar aggregate classification (germline): Likely benign. Review status: criteria provided, single submitter (1 of 4 stars). 2 submissions from 2 submitters: Likely benign (1). 1 of the submissions does not count toward it. Last evaluated 2024-02-12.

Conditions:
ALG1-related disorder. Also called: ALG1-related condition.
ALG1-congenital disorder of glycosylation. Also called: CDG Ik; CONGENITAL DISORDER OF GLYCOSYLATION, TYPE Ik; ALG1-CDG. Identifiers: Orphanet 79327, MedGen C2931005, MONDO:0012052, OMIM 608540.

Allele frequency attached by ClinVar (database versions not stated): ExAC 0.00002; TOPMed 0.00002; gnomAD exomes 0.00005.

Submissions (2):

Labcorp Genetics (formerly Invitae), Labcorp
Classification: Likely benign for ALG1-congenital disorder of glycosylation. Last evaluated: 2024-02-12. Review status: criteria provided, single submitter. Criteria: Invitae Variant Classification Sherloc (09022015). Collection method: clinical testing. Allele origin: germline.

PreventionGenetics, part of Exact Sciences
Classification: Likely benign for ALG1-related condition. Last evaluated: 2022-10-17. Review status: no assertion criteria provided. Collection method: clinical testing. Allele origin: germline. Not counted in ClinVar's aggregate classification.
Comment: This variant is classified as likely benign based on ACMG/AMP sequence variant interpretation guidelines (Richards et al. 2015 PMID: 25741868, with internal and published modifications).